The following is an entry in ClinVar:

ClinVar aggregate classification (germline): Uncertain significance (1 of 4 stars; one submission).

gnomAD v4.1: 1 of 1,612,950 alleles (0.000062%); highest among the groups gnomAD compares: Non-Finnish European, 0.000085%; no homozygotes.

Submission:

GeneDx
Classification: Uncertain significance. Last evaluated: 2026-04-03. Review status: criteria provided, single submitter. Criteria: GeneDx Variant Classification Process June 2021. Collection method: clinical testing. Allele origin: germline.
Comment: Not observed at significant frequency in large population cohorts (gnomAD); In silico analysis supports that this missense variant has a deleterious effect on protein structure/function; Has not been previously published as pathogenic or benign to our knowledge

NM_001042681.2(RERE):c.3419G>A (p.Gly1140Asp)

Gene: RERE (arginine-glutamic acid dipeptide repeats; minus strand). Cytogenetic location: 1p36.23.
Variant type: single nucleotide variant.
Coding change: c.3419G>A on transcript NM_001042681.2 (MANE Select); coding-DNA position 3419, G replaced by A.
Protein change: p.Gly1140Asp; replaces glycine 1140 with aspartic acid.
Molecular consequence: missense variant.
Genome position (GRCh38, 1-based): chr1:8,359,963, C>T on the plus strand (G>A on the coding strand, the complement: RERE is on the minus strand). VCF-style: chr1-8359963-C-T. GRCh37 (hg19) VCF-style: chr1-8420023-C-T.
Other names: c.1757G>A, p.Gly586Asp (NM_001042682.2); c.3419G>A, p.Gly1140Asp (NM_012102.4); short protein forms G1140D, G586D.
Identifiers: ClinVar variation 5018206 (VCV005018206.1).
Genomic context (GRCh38, chr1:8,359,963, plus strand): 5'-GCCAGCTTGGACCCGGCCAGAGGCATGAAGTACAGGTCTGTCCGGGCACACGAGTTGTAG[C>T]CCCGGTCCAGGTGTTTGTAGAACCTGAGAAAAGCCACAGATCTTGCTGGGAGCTCCTGCC-3'
Protein context (NP_001036146.1, residues 1130-1150): SARFYKHLDR[Gly1140Asp]YNSCARTDLY